The following is an entry in ClinVar:

NM_001035.3(RYR2):c.931G>A (p.Asp311Asn)

Gene: RYR2 (ryanodine receptor 2; plus strand). Cytogenetic location: 1q43.
Variant type: single nucleotide variant.
Coding change: c.931G>A on transcript NM_001035.3 (MANE Select); coding-DNA position 931, G replaced by A.
Protein change: p.Asp311Asn; replaces aspartic acid 311 with asparagine.
Molecular consequence: missense variant.
Genome position (GRCh38, 1-based): chr1:237,423,174, G>A. VCF-style: chr1-237423174-G-A. GRCh37 (hg19) VCF-style: chr1-237586474-G-A.
Other names: short protein forms D311N.
Identifiers: ClinVar variation 3070601 (VCV003070601.1), dbSNP rs2528090564, ClinGen allele CA345385394.
Genomic context (GRCh38, chr1:237,423,174, plus strand): 5'-TGGGGACAGCCATTCCGACTACGCCATGTCACAACAGGAAAATACTTGAGTCTCATGGAA[G>A]ACAAAAACCTTCTACTCATGGACAAAGAGAAAGCTGATGTAAAATCAACAGCATTTACCT-3'
Protein context (NP_001026.2, residues 301-321): TTGKYLSLME[Asp311Asn]KNLLLMDKEK

ClinVar aggregate classification (germline): Uncertain significance (1 of 4 stars; one submission).

Conditions:
Catecholaminergic polymorphic ventricular tachycardia (CVPT). Also called: Catecholamine-induced polymorphic ventricular tachycardia. Identifiers: Orphanet 3286, MedGen C5574922, MONDO:0017990.

Allele frequency attached by ClinVar (database versions not stated): gnomAD exomes below 0.00001.
gnomAD v4.1: 1 of 1,613,760 alleles (0.000062%); highest among the groups gnomAD compares: Non-Finnish European, 0.000085%; no homozygotes.

Submission:

All of Us Research Program, National Institutes of Health
Classification: Uncertain significance for Catecholaminergic polymorphic ventricular tachycardia. Last evaluated: 2023-04-27. Review status: criteria provided, single submitter. Criteria: ACMG Guidelines, 2015. Collection method: clinical testing. Allele origin: germline. Inheritance: Autosomal dominant inheritance. Observed: 1 variant allele, 1 heterozygote.
Comment: This study involves interpretation of variants in research participants for the purpose of population health screening. Participant phenotype was not available at the time of variant classification. Additional details can be found in publication PMID: 35346344, PMCID: PMC8962531